The following is an entry in ClinVar:

ClinVar aggregate classification (germline): Uncertain significance. Review status: criteria provided, multiple submitters, no conflicts (2 of 4 stars). 2 submissions from 2 submitters: Uncertain significance (2). Last evaluated 2025-12-21.

Conditions:
Hereditary cancer-predisposing syndrome. Also called: Neoplastic Syndromes, Hereditary; Tumor predisposition; Hereditary Cancer Syndrome; Hereditary neoplastic syndrome. Identifiers: Orphanet 140162, MedGen C0027672, MeSH D009386, MONDO:0015356.
Familial adenomatous polyposis 1 (FAP1). Also called: FAMILIAL ADENOMATOUS POLYPOSIS 1, ATTENUATED; POLYPOSIS, ADENOMATOUS INTESTINAL. Identifiers: MedGen C2713442, MONDO:0021056, OMIM 175100. Disease mechanism: loss of function.

Submissions (2):

Ambry Genetics
Classification: Uncertain significance for Hereditary cancer-predisposing syndrome. Last evaluated: 2025-12-21. Review status: criteria provided, single submitter. Criteria: Ambry Variant Classification Scheme 2023. Collection method: clinical testing. Allele origin: germline.
Comment: The p.S89L variant (also known as c.266C>T), located in coding exon 3 of the APC gene, results from a C to T substitution at nucleotide position 266. The serine at codon 89 is replaced by leucine, an amino acid with dissimilar properties. This amino acid position is conserved. In addition, in silico predictors for this gene do not accurately predict pathogenicity. Based on the available evidence, the clinical significance of this variant remains unclear.

Labcorp Genetics (formerly Invitae), Labcorp
Classification: Uncertain significance for Familial adenomatous polyposis 1. Last evaluated: 2022-03-10. Review status: criteria provided, single submitter. Criteria: Invitae Variant Classification Sherloc (09022015). Collection method: clinical testing. Allele origin: germline.
Comment: This variant has not been reported in the literature in individuals affected with APC-related conditions. In summary, the available evidence is currently insufficient to determine the role of this variant in disease. Therefore, it has been classified as a Variant of Uncertain Significance. Algorithms developed to predict the effect of sequence changes on RNA splicing suggest that this variant may create or strengthen a splice site. Algorithms developed to predict the effect of missense changes on protein structure and function are either unavailable or do not agree on the potential impact of this missense change (SIFT: "Deleterious"; PolyPhen-2: "Benign"; Align-GVGD: "Class C0"). This variant is not present in population databases (gnomAD no frequency). This sequence change replaces serine, which is neutral and polar, with leucine, which is neutral and non-polar, at codon 89 of the APC protein (p.Ser89Leu).

NM_000038.6(APC):c.266C>T (p.Ser89Leu)

Gene: APC (APC regulator of Wnt signaling pathway; plus strand). Cytogenetic location: 5q22.2.
Variant type: single nucleotide variant.
Coding change: c.266C>T on transcript NM_000038.6 (MANE Select); coding-DNA position 266, C replaced by T.
Protein change: p.Ser89Leu; replaces serine 89 with leucine.
Molecular consequence: missense variant. On other transcripts: 5 prime UTR variant (1).
Genome position (GRCh38, 1-based): chr5:112,767,234, C>T. VCF-style: chr5-112767234-C-T. GRCh37 (hg19) VCF-style: chr5-112102931-C-T.
Other names: c.266C>T, p.Ser89Leu (NM_001127510.3, NM_001354895.2, NM_001354896.2 and 16 more transcripts); c.296C>T, p.Ser99Leu (NM_001127511.3, NM_001354897.2, NM_001354902.2 and 1 more transcripts); c.191C>T, p.Ser64Leu (NM_001354898.2, NM_001354904.2, NM_001407451.1); c.89C>T, p.Ser30Leu (NM_001354900.2, NM_001354901.2, NM_001354905.2 and 1 more transcripts); c.-770C>T (NM_001354906.2, NM_001407470.1, NM_001407471.1 and 1 more transcripts); c.266C>T (NM_000038.5); short protein forms S99L, S89L, S30L, S64L.
Identifiers: ClinVar variation 2108265 (VCV002108265.5), dbSNP rs876658846, ClinGen allele CA16021921.